The following is an entry in ClinVar:

ClinVar aggregate classification (germline): Uncertain significance. Review status: criteria provided, multiple submitters, no conflicts (2 of 4 stars). 2 submissions from 2 submitters: Uncertain significance (2). Last evaluated 2025-04-17.

Conditions:
Cardiovascular phenotype. Identifiers: MedGen CN230736.

Allele frequency attached by ClinVar (database versions not stated): TOPMed 0.00003; gnomAD 0.00002; ExAC 0.00003; ESP Exome Variant Server 0.00015.
gnomAD v4.1: 3 of 1,577,182 alleles (0.00019%); highest among the groups gnomAD compares: African/African-American, 0.0041%; no homozygotes.

Submissions (2):

Labcorp Genetics (formerly Invitae), Labcorp
Classification: Uncertain significance. Last evaluated: 2025-04-17. Review status: criteria provided, single submitter. Criteria: Invitae Variant Classification Sherloc (09022015). Collection method: clinical testing. Allele origin: germline.
Comment: This sequence change replaces glycine, which is neutral and non-polar, with glutamic acid, which is acidic and polar, at codon 660 of the ALPK3 protein (p.Gly660Glu). This variant is present in population databases (rs375166303, gnomAD 0.03%). This variant has not been reported in the literature in individuals affected with ALPK3-related conditions. ClinVar contains an entry for this variant (Variation ID: 2625911). Invitae Evidence Modeling of protein sequence and biophysical properties (such as structural, functional, and spatial information, amino acid conservation, physicochemical variation, residue mobility, and thermodynamic stability) indicates that this missense variant is not expected to disrupt ALPK3 protein function with a negative predictive value of 80%. In summary, the available evidence is currently insufficient to determine the role of this variant in disease. Therefore, it has been classified as a Variant of Uncertain Significance.

Ambry Genetics
Classification: Uncertain significance for Cardiovascular phenotype. Last evaluated: 2023-06-23. Review status: criteria provided, single submitter. Criteria: Ambry Variant Classification Scheme 2023. Collection method: clinical testing. Allele origin: germline.
Comment: The p.G660E variant (also known as c.1979G>A), located in coding exon 5 of the ALPK3 gene, results from a G to A substitution at nucleotide position 1979. The glycine at codon 660 is replaced by glutamic acid, an amino acid with similar properties. This amino acid position is conserved. In addition, this alteration is predicted to be tolerated by in silico analysis. Since supporting evidence is limited at this time, the clinical significance of this alteration remains unclear.

NM_020778.5(ALPK3):c.1373G>A (p.Gly458Glu)

Gene: ALPK3 (alpha kinase 3; plus strand). Cytogenetic location: 15q25.3.
Variant type: single nucleotide variant.
Coding change: c.1373G>A on transcript NM_020778.5 (MANE Select); coding-DNA position 1373, G replaced by A.
Protein change: p.Gly458Glu; replaces glycine 458 with glutamic acid.
Molecular consequence: missense variant.
Genome position (GRCh38, 1-based): chr15:84,840,652, G>A. VCF-style: chr15-84840652-G-A. GRCh37 (hg19) VCF-style: chr15-85383883-G-A.
Other names: short protein forms G458E.
Identifiers: ClinVar variation 2625911 (VCV002625911.4), dbSNP rs375166303, ClinGen allele CA7709171.